The following is an entry in ClinVar:

ClinVar aggregate classification (germline): Pathogenic. Review status: criteria provided, multiple submitters, no conflicts (2 of 4 stars). 2 submissions from 2 submitters: Pathogenic (2). Last evaluated 2025-08-04.

Conditions:
Tooth agenesis, selective, 10 (STHAG10). Identifiers: MedGen C5774277, MONDO:0859339, OMIM 620173.
Ectodermal dysplasia 14, hair/tooth type with or without hypohidrosis. Identifiers: Orphanet 685067, MedGen C4748560, MONDO:0032584, OMIM 618180.
Autosomal recessive nonsyndromic hearing loss 98. Also called: Deafness, autosomal recessive 98. Identifiers: Orphanet 90636, MedGen C3553932, MONDO:0013929, OMIM 614861.

Allele frequency attached by ClinVar (database versions not stated): gnomAD 0.00001; gnomAD exomes below 0.00001; TOPMed 0.00001; ExAC 0.00003.

Submissions (2):

Medical Genetics, Meyer Children Hospital
Classification: Pathogenic for Ectodermal dysplasia 14, hair/tooth type with or without hypohidrosis; Autosomal recessive nonsyndromic hearing loss 98; Tooth agenesis, selective, 10. Last evaluated: 2025-08-04. Review status: criteria provided, single submitter. Criteria: ACMG Guidelines, 2015. Collection method: clinical testing. Allele origin: paternal. Affected: yes.
Comment: PVS1, PM2, PM3, PP5

Labcorp Genetics (formerly Invitae), Labcorp
Classification: Pathogenic. Last evaluated: 2025-01-27. Review status: criteria provided, single submitter. Criteria: Invitae Variant Classification Sherloc (09022015). Collection method: clinical testing. Allele origin: germline.
Comment: This sequence change affects the initiator methionine of the TSPEAR mRNA. The next in-frame methionine is located at codon 69. This variant is present in population databases (rs781881476, gnomAD 0.006%). This variant has not been reported in the literature in individuals affected with TSPEAR-related conditions. ClinVar contains an entry for this variant (Variation ID: 2891535). This variant disrupts a region of the TSPEAR protein in which other variant(s) (p.Asp33Ala) have been determined to be pathogenic (internal data). This suggests that this is a clinically significant region of the protein, and that variants that disrupt it are likely to be disease-causing. For these reasons, this variant has been classified as Pathogenic.

NM_144991.3(TSPEAR):c.2T>C (p.Met1Thr)

Gene: TSPEAR (thrombospondin type laminin G domain and EAR repeats; minus strand). Cytogenetic location: 21q22.3.
Variant type: single nucleotide variant.
Coding change: c.2T>C on transcript NM_144991.3 (MANE Select); coding-DNA position 2, T replaced by C.
Protein change: p.Met1Thr; changes the start codon (methionine 1).
Molecular consequence: missense variant, initiator codon variant. On other transcripts: 5 prime UTR variant (1).
Genome position (GRCh38, 1-based): chr21:44,711,513, A>G on the plus strand (T>C on the coding strand, the complement: TSPEAR is on the minus strand). VCF-style: chr21-44711513-A-G. GRCh37 (hg19) VCF-style: chr21-46131428-A-G.
Other names: c.-265T>C (NM_001272037.2); short protein forms M1T.
Identifiers: ClinVar variation 2891535 (VCV002891535.4), dbSNP rs781881476, ClinGen allele CA10061763.